The following is an entry in ClinVar:

ClinVar aggregate classification (germline): Conflicting classifications of pathogenicity. Review status: criteria provided, conflicting classifications (1 of 4 stars). 3 submissions from 3 submitters: Uncertain significance (1); Benign (1). 1 of the submissions does not count toward it. Last evaluated 2026-01-26.

Conditions:
MUSK-related disorder. Also called: MUSK-related condition; MUSK-related disorders.
Congenital myasthenic syndrome 9. Also called: Myasthenic syndrome, congenital, 9, associated with acetylcholine receptor deficiency. Identifiers: Orphanet 590, MedGen C4225368, MONDO:0014587, OMIM 616325.
Fetal akinesia deformation sequence 1 (FADS1). Also called: Pena-Shokeir syndrome type I; Fetal akinesia sequence. Identifiers: Orphanet 994, MedGen C1276035, MONDO:0100101, OMIM 208150, HP:0001989.

Allele frequency attached by ClinVar (database versions not stated): gnomAD exomes 0.00030; ExAC 0.00037; 1000 Genomes Project 30x 0.00078; 1000 Genomes Project 0.00080; ESP Exome Variant Server 0.00082; gnomAD 0.00091 and 0.00098; TOPMed 0.00093.
gnomAD v4.1: 319 of 1,613,826 alleles (0.02%); highest among the groups gnomAD compares: African/African-American, 0.35%; no homozygotes.

Submissions (3):

Labcorp Genetics (formerly Invitae), Labcorp
Classification: Benign for Congenital myasthenic syndrome 9; Fetal akinesia deformation sequence 1. Last evaluated: 2026-01-26. Review status: criteria provided, single submitter. Criteria: Invitae Variant Classification Sherloc (09022015). Collection method: clinical testing. Allele origin: germline.

GeneDx
Classification: Uncertain significance. Last evaluated: 2021-05-20. Review status: criteria provided, single submitter. Criteria: GeneDx Variant Classification Process June 2021. Collection method: clinical testing. Allele origin: germline. Affected: yes.
Comment: Has not been previously published as pathogenic or benign to our knowledge; In silico analysis, which includes splice predictors and evolutionary conservation, suggests this variant may impact gene splicing. In the absence of RNA/functional studies, the actual effect of this sequence change is unknown.

PreventionGenetics, part of Exact Sciences
Classification: Likely benign for MUSK-related condition. Last evaluated: 2020-07-27. Review status: no assertion criteria provided. Collection method: clinical testing. Allele origin: germline. Not counted in ClinVar's aggregate classification.
Comment: This variant is classified as likely benign based on ACMG/AMP sequence variant interpretation guidelines (Richards et al. 2015 PMID: 25741868, with internal and published modifications).

NM_005592.4(MUSK):c.1026G>A (p.Ala342=)

Gene: MUSK (muscle associated receptor tyrosine kinase; plus strand). Cytogenetic location: 9q31.3.
Variant type: single nucleotide variant.
Coding change: c.1026G>A on transcript NM_005592.4 (MANE Select); coding-DNA position 1026, G replaced by A.
Protein change: p.Ala342=; no amino-acid change (alanine 342 retained).
Molecular consequence: synonymous variant. On other transcripts: 5 prime UTR variant (1), intron variant (2).
Genome position (GRCh38, 1-based): chr9:110,767,925, G>A. VCF-style: chr9-110767925-G-A. GRCh37 (hg19) VCF-style: chr9-113530205-G-A.
Other names: c.-211G>A (NM_001369398.1); c.950+5717G>A (NM_001166280.2); c.920+5717G>A (NM_001166281.2).
Identifiers: ClinVar variation 476128 (VCV000476128.15), dbSNP rs200434321, ClinGen allele CA5184263.